The following is an entry in ClinVar:

ClinVar aggregate classification (germline): Uncertain significance. Review status: criteria provided, multiple submitters, no conflicts (2 of 4 stars). 2 submissions from 2 submitters: Uncertain significance (2). Last evaluated 2024-11-23.

Conditions:
Hereditary cancer-predisposing syndrome. Also called: Neoplastic Syndromes, Hereditary; Tumor predisposition; Hereditary Cancer Syndrome; Hereditary neoplastic syndrome. Identifiers: Orphanet 140162, MedGen C0027672, MeSH D009386, MONDO:0015356.

Submissions (2):

Ambry Genetics
Classification: Uncertain significance for Hereditary cancer-predisposing syndrome. Last evaluated: 2024-11-23. Review status: criteria provided, single submitter. Criteria: Ambry Variant Classification Scheme 2023. Collection method: clinical testing. Allele origin: germline.
Comment: The p.P879L variant (also known as c.2636C>T), located in coding exon 19 of the MSH3 gene, results from a C to T substitution at nucleotide position 2636. The proline at codon 879 is replaced by leucine, an amino acid with similar properties. This amino acid position is conserved. In addition, this alteration is predicted to be deleterious by in silico analysis. Based on the available evidence, the clinical significance of this variant remains unclear.

Labcorp Genetics (formerly Invitae), Labcorp
Classification: Uncertain significance. Last evaluated: 2023-12-27. Review status: criteria provided, single submitter. Criteria: Invitae Variant Classification Sherloc (09022015). Collection method: clinical testing. Allele origin: germline.
Comment: This sequence change replaces proline, which is neutral and non-polar, with leucine, which is neutral and non-polar, at codon 879 of the MSH3 protein (p.Pro879Leu). This variant is not present in population databases (gnomAD no frequency). This variant has not been reported in the literature in individuals affected with MSH3-related conditions. An algorithm developed to predict the effect of missense changes on protein structure and function (PolyPhen-2) suggests that this variant is likely to be disruptive. In summary, the available evidence is currently insufficient to determine the role of this variant in disease. Therefore, it has been classified as a Variant of Uncertain Significance.

NM_002439.5(MSH3):c.2636C>T (p.Pro879Leu)

Gene: MSH3 (mutS homolog 3; plus strand). Cytogenetic location: 5q14.1.
Variant type: single nucleotide variant.
Coding change: c.2636C>T on transcript NM_002439.5 (MANE Select); coding-DNA position 2636, C replaced by T.
Protein change: p.Pro879Leu; replaces proline 879 with leucine.
Molecular consequence: missense variant.
Genome position (GRCh38, 1-based): chr5:80,792,825, C>T. VCF-style: chr5-80792825-C-T. GRCh37 (hg19) VCF-style: chr5-80088644-C-T.
Other names: c.2636C>T (NM_002439.3); short protein forms P879L.
Identifiers: ClinVar variation 2915612 (VCV002915612.4), dbSNP rs2546786832, ClinGen allele CA360273030.